The following is an entry in ClinVar:

NM_002432.3(MNDA):c.993C>G (p.Ser331Arg)

Gene: MNDA (myeloid cell nuclear differentiation antigen; plus strand). Cytogenetic location: 1q23.1.
Variant type: single nucleotide variant.
Coding change: c.993C>G on transcript NM_002432.3 (MANE Select); coding-DNA position 993, C replaced by G.
Protein change: p.Ser331Arg; replaces serine 331 with arginine.
Molecular consequence: missense variant.
Genome position (GRCh38, 1-based): chr1:158,847,733, C>G. VCF-style: chr1-158847733-C-G. GRCh37 (hg19) VCF-style: chr1-158817523-C-G.
Other names: short protein forms S331R.
Identifiers: ClinVar variation 3222220 (VCV003222220.1), dbSNP rs993369232, ClinGen allele CA343043612.

ClinVar aggregate classification (germline): Uncertain significance (1 of 4 stars; one submission).

Submission:

Ambry Genetics
Classification: Uncertain significance. Last evaluated: 2023-11-29. Review status: criteria provided, single submitter. Criteria: Ambry Variant Classification Scheme 2023. Collection method: clinical testing. Allele origin: germline.
Comment: The p.S331R variant (also known as c.993C>G), located in coding exon 5 of the MNDA gene, results from a C to G substitution at nucleotide position 993. The serine at codon 331 is replaced by arginine, an amino acid with dissimilar properties. This amino acid position is conserved. In addition, this alteration is predicted to be tolerated by in silico analysis. Since supporting evidence is limited at this time, the clinical significance of this alteration remains unclear.